The following is an entry in ClinVar:

ClinVar aggregate classification (germline): Uncertain significance (1 of 4 stars; one submission).

Submission:

Labcorp Genetics (formerly Invitae), Labcorp
Classification: Uncertain significance. Last evaluated: 2022-07-11. Review status: criteria provided, single submitter. Criteria: Invitae Variant Classification Sherloc (09022015). Collection method: clinical testing. Allele origin: germline.
Comment: In summary, the available evidence is currently insufficient to determine the role of this variant in disease. Therefore, it has been classified as a Variant of Uncertain Significance. Experimental studies and prediction algorithms are not available or were not evaluated, and the functional significance of this variant is currently unknown. This variant has not been reported in the literature in individuals affected with LTBP4-related conditions. This variant is not present in population databases (gnomAD no frequency). This sequence change replaces phenylalanine, which is neutral and non-polar, with leucine, which is neutral and non-polar, at codon 33 of the LTBP4 protein (p.Phe33Leu).

NM_003573.2(LTBP4):c.97T>C (p.Phe33Leu)

Gene: LTBP4 (latent transforming growth factor beta binding protein 4; plus strand). Cytogenetic location: 19q13.2.
Variant type: single nucleotide variant.
Coding change: c.97T>C on transcript NM_003573.2; coding-DNA position 97, T replaced by C.
Protein change: p.Phe33Leu; replaces phenylalanine 33 with leucine.
Molecular consequence: missense variant.
Genome position (GRCh38, 1-based): chr19:40,599,423, T>C. VCF-style: chr19-40599423-T-C. GRCh37 (hg19) VCF-style: chr19-41105329-T-C.
Other names: c.208T>C, p.Phe70Leu (NM_001042544.1); short protein forms F70L, F33L.
Identifiers: ClinVar variation 2016260 (VCV002016260.4), dbSNP rs2515332607, ClinGen allele CA405929709.